The following is an entry in ClinVar:

ClinVar aggregate classification (germline): Conflicting classifications of pathogenicity. Review status: criteria provided, conflicting classifications (1 of 4 stars). 3 submissions from 3 submitters: Uncertain significance (2); Likely benign (1). Last evaluated 2026-09-12.

Conditions:
MYO7A-related disorder. Also called: MYO7A-related disorders.

Allele frequency attached by ClinVar (database versions not stated): ExAC 0.00011; gnomAD 0.00019; TOPMed 0.00031; ESP Exome Variant Server 0.00032; 1000 Genomes Project 0.00040; 1000 Genomes Project 30x 0.00062; gnomAD exomes 0.00007 and 0.00008.
gnomAD v4.1: 129 of 1,613,738 alleles (0.008%); highest among the groups gnomAD compares: African/African-American, 0.056%; no homozygotes.

Submissions (3):

GeneDx
Classification: Uncertain significance. Last evaluated: 2026-09-12. Review status: criteria provided, single submitter. Criteria: GeneDx Variant Classification Process June 2021. Collection method: clinical testing. Allele origin: germline.
Comment: In silico analysis suggests that this missense variant does not alter protein structure/function; Has not been previously published as pathogenic or benign to our knowledge

PreventionGenetics, part of Exact Sciences
Classification: Uncertain significance for MYO7A-related condition. Last evaluated: 2026-07-07. Review status: criteria provided, single submitter. Criteria: ACMG Guidelines, 2015. Collection method: clinical testing. Allele origin: germline.
Comment: The MYO7A c.3955G>A variant is predicted to result in the amino acid substitution p.Val1319Ile. To our knowledge, this variant has not been reported in the literature. This variant is present in 0.070% of alleles in individuals of African descent in gnomAD, which may be too common to be an unreported cause of disease. Although we suspect that this variant may be benign, at this time, the clinical significance of this variant is uncertain due to the absence of conclusive functional and genetic evidence.

Labcorp Genetics (formerly Invitae), Labcorp
Classification: Likely benign. Last evaluated: 2026-01-16. Review status: criteria provided, single submitter. Criteria: Invitae Variant Classification Sherloc (09022015). Collection method: clinical testing. Allele origin: germline.

NM_000260.4(MYO7A):c.3955G>A (p.Val1319Ile)

Gene: MYO7A (myosin VIIA; plus strand). Cytogenetic location: 11q13.5.
Variant type: single nucleotide variant.
Coding change: c.3955G>A on transcript NM_000260.4 (MANE Select); coding-DNA position 3955, G replaced by A.
Protein change: p.Val1319Ile; replaces valine 1319 with isoleucine.
Molecular consequence: missense variant.
Genome position (GRCh38, 1-based): chr11:77,192,081, G>A. VCF-style: chr11-77192081-G-A. GRCh37 (hg19) VCF-style: chr11-76903126-G-A.
Other names: c.3955G>A, p.Val1319Ile (NM_001127180.2); c.3922G>A, p.Val1308Ile (NM_001369365.1); short protein forms V1308I, V1319I.
Identifiers: ClinVar variation 1106322 (VCV001106322.14), dbSNP rs200483708, ClinGen allele CA6198273.